The following is an entry in ClinVar:

ClinVar aggregate classification (germline): Likely benign (1 of 4 stars; one submission).

Conditions:
COG7-related disorder. Also called: COG7-related condition.

Submission:

PreventionGenetics, part of Exact Sciences
Classification: Likely benign for COG7-related condition. Last evaluated: 2026-07-20. Review status: criteria provided, single submitter. Criteria: ACMG Guidelines, 2015. Collection method: clinical testing. Allele origin: germline.
Comment: This variant is classified as likely benign based on ACMG/AMP sequence variant interpretation guidelines (Richards et al. 2015 PMID: 25741868, with internal and published modifications).

NM_153603.4(COG7):c.2109G>C (p.Leu703=)

Gene: COG7 (component of oligomeric golgi complex 7; minus strand). Cytogenetic location: 16p12.2.
Variant type: single nucleotide variant.
Coding change: c.2109G>C on transcript NM_153603.4 (MANE Select); coding-DNA position 2109, G replaced by C.
Protein change: p.Leu703=; no amino-acid change (leucine 703 retained).
Molecular consequence: synonymous variant.
Genome position (GRCh38, 1-based): chr16:23,392,417, C>G on the plus strand (G>C on the coding strand, the complement: COG7 is on the minus strand). VCF-style: chr16-23392417-C-G. GRCh37 (hg19) VCF-style: chr16-23403738-C-G.
Identifiers: ClinVar variation 4994716 (VCV004994716.1).